The following is an entry in ClinVar:

NM_002488.5(NDUFA2):c.129G>A (p.Glu43=)

Genes: NDUFA2 (NADH:ubiquinone oxidoreductase subunit A2; minus strand), TMCO6 (transmembrane and coiled-coil domains 6; plus strand). Cytogenetic location: 5q31.3.
Variant type: single nucleotide variant.
Coding change: c.129G>A on transcript NM_002488.5 (MANE Select); coding-DNA position 129, G replaced by A.
Protein change: p.Glu43=; no amino-acid change (glutamic acid 43 retained).
Molecular consequence: synonymous variant. On other transcripts: non-coding transcript variant (1).
Genome position (GRCh38, 1-based): chr5:140,647,335, C>T on the plus strand (G>A on the coding strand, the complement: NDUFA2 is on the minus strand). VCF-style: chr5-140647335-C-T. GRCh37 (hg19) VCF-style: chr5-140026920-C-T.
Other names: p.E43E:GAG>GAA; c.129G>A, p.Glu43= (NM_001185012.2).
Identifiers: ClinVar variation 138446 (VCV000138446.16), dbSNP rs73271536, ClinGen allele CA292435.

ClinVar aggregate classification (germline): Benign. Review status: criteria provided, multiple submitters, no conflicts (2 of 4 stars). 4 submissions from 4 submitters: Benign (2). 2 of the submissions do not count toward it. Last evaluated 2025-11-17.

Conditions:
NDUFA2-related disorder. Also called: NDUFA2-related condition.

Allele frequency attached by ClinVar (database versions not stated): gnomAD exomes 0.00033 and 0.00077; ExAC 0.00097; gnomAD 0.00273 and 0.00293; TOPMed 0.00325; 1000 Genomes Project 0.00339; 1000 Genomes Project 30x 0.00406; ESP Exome Variant Server 0.00408.
gnomAD v4.1: 911 of 1,606,374 alleles (0.057%); highest among the groups gnomAD compares: African/African-American, 1.1%; 2 homozygotes.

Submissions (4):

Labcorp Genetics (formerly Invitae), Labcorp
Classification: Benign. Last evaluated: 2025-11-17. Review status: criteria provided, single submitter. Criteria: Invitae Variant Classification Sherloc (09022015). Collection method: clinical testing. Allele origin: germline.

GeneDx
Classification: Benign. Last evaluated: 2012-04-03. Review status: criteria provided, single submitter. Criteria: GeneDx Variant Classification (06012015). Collection method: clinical testing. Allele origin: germline. Affected: yes.
Comment: This variant is considered likely benign or benign based on one or more of the following criteria: it is a conservative change, it occurs at a poorly conserved position in the protein, it is predicted to be benign by multiple in silico algorithms, and/or has population frequency not consistent with disease.

PreventionGenetics, part of Exact Sciences
Classification: Benign for NDUFA2-related condition. Last evaluated: 2023-12-06. Review status: no assertion criteria provided. Collection method: clinical testing. Allele origin: germline. Not counted in ClinVar's aggregate classification.
Comment: This variant is classified as benign based on ACMG/AMP sequence variant interpretation guidelines (Richards et al. 2015 PMID: 25741868, with internal and published modifications).

Mayo Clinic Laboratories, Mayo Clinic
Classification: Likely benign. Last evaluated: 2016-03-16. Review status: no assertion criteria provided. Collection method: clinical testing. Allele origin: unknown. Not counted in ClinVar's aggregate classification.